The following is an entry in ClinVar:

NM_000059.4(BRCA2):c.9502-650A>G

Gene: BRCA2 (BRCA2 DNA repair associated; plus strand). Cytogenetic location: 13q13.1.
Variant type: single nucleotide variant.
Coding change: c.9502-650A>G on transcript NM_000059.4 (MANE Select); 650 bases into the intron before coding-DNA position 9502, A replaced by G.
Molecular consequence: intron variant.
Genome position (GRCh38, 1-based): chr13:32,396,248, A>G. VCF-style: chr13-32396248-A-G. GRCh37 (hg19) VCF-style: chr13-32970385-A-G.
Other names: IVS 25-650A>G.
Identifiers: ClinVar variation 209915 (VCV000209915.1), dbSNP rs11571821, ClinGen allele CA276883.
Genomic context (GRCh38, chr13:32,396,248, plus strand): 5'-GGTCTCGAACTCTTGGCCTCAAGTGATCTGCCCACCTTGGCCTCCCCAAGTACTGGGTTT[A>G]CAGGCATGAGCCACCGAGCCCGCATTTTCTCTGAGACGTCTTCAAAGGCAGTTTACTAAT-3'

ClinVar aggregate classification (germline): Benign (3 of 4 stars; one submission).

Conditions:
Breast-ovarian cancer, familial, susceptibility to, 2 (BROVCA2). Also called: BRCA2 Hereditary Breast and Ovarian Cancer. Identifiers: Orphanet 145, MedGen C2675520, MONDO:0012933, OMIM 612555. Disease mechanism: loss of function.

Allele frequency attached by ClinVar (database versions not stated): gnomAD exomes 0.00037; gnomAD 0.01267 and 0.01372; TOPMed 0.01421; 1000 Genomes Project 0.01438; 1000 Genomes Project 30x 0.01468.
gnomAD v4.1: 1,912 of 166,264 alleles (1.1%); highest among the groups gnomAD compares: African/African-American, 4.4%; 37 homozygotes.

Submission:

Evidence-based Network for the Interpretation of Germline Mutant Alleles (ENIGMA)
Classification: Benign for Breast-ovarian cancer, familial 2. Last evaluated: 2015-01-12. Review status: reviewed by expert panel. Criteria: ENIGMA BRCA1/2 Classification Criteria (2015). Collection method: curation. Allele origin: germline.
Comment: Class 1 not pathogenic based on frequency >1% in an outbred sampleset. Frequency 0.03455 (African), derived from 1000 genomes (2012-04-30).